The following is an entry in ClinVar:

NM_153026.3(PRICKLE1):c.776-258C>G

Genes: PRICKLE1 (prickle planar cell polarity protein 1; minus strand), LOC126861509 (BRD4-independent group 4 enhancer GRCh37_chr12:42858567-42859766; plus strand). Cytogenetic location: 12q12.
Variant type: single nucleotide variant.
Coding change: c.776-258C>G on transcript NM_153026.3 (MANE Select); 258 bases into the intron before coding-DNA position 776, C replaced by G.
Molecular consequence: intron variant.
Genome position (GRCh38, 1-based): chr12:42,465,516, G>C on the plus strand (C>G on the coding strand, the complement: PRICKLE1 is on the minus strand). VCF-style: chr12-42465516-G-C. GRCh37 (hg19) VCF-style: chr12-42859318-G-C.
Other names: c.776-258C>G (NM_001144883.2, NM_001144882.2, NM_001144881.2).
Identifiers: ClinVar variation 671547 (VCV000671547.1), dbSNP rs73273967, ClinGen allele CA235491697.

ClinVar aggregate classification (germline): Likely benign (1 of 4 stars; one submission).

Allele frequency attached by ClinVar (database versions not stated): TOPMed 0.01578; 1000 Genomes Project 30x 0.02092; 1000 Genomes Project 0.02196.
gnomAD v4.1: 5,214 of 501,572 alleles (1%); highest among the groups gnomAD compares: East Asian, 2.7%; 88 homozygotes.

Submission:

GeneDx
Classification: Likely benign. Last evaluated: 2018-06-16. Review status: criteria provided, single submitter. Criteria: GeneDx Variant Classification (06012015). Collection method: clinical testing. Allele origin: germline. Affected: yes.
Comment: This variant is considered likely benign or benign based on one or more of the following criteria: it is a conservative change, it occurs at a poorly conserved position in the protein, it is predicted to be benign by multiple in silico algorithms, and/or has population frequency not consistent with disease.